The following is an entry in ClinVar:

ClinVar aggregate classification (germline): Uncertain significance (1 of 4 stars; one submission).

Conditions:
Retinitis pigmentosa 12 (RP12). Also called: RP WITH OR WITHOUT PPRPE; RP WITH OR WITHOUT PRESERVED PARAARTERIOLE RETINAL PIGMENT EPITHELIUM; RETINITIS PIGMENTOSA WITH OR WITHOUT PARAARTERIOLAR PRESERVATION OF RETINAL PIGMENT EPITHELIUM. Identifiers: Orphanet 791, MedGen C1838647, MONDO:0010818, OMIM 600105.
Leber congenital amaurosis 8 (LCA8). Identifiers: Orphanet 65, MedGen C3151202, MONDO:0013453, OMIM 613835.

Allele frequency attached by ClinVar (database versions not stated): TOPMed below 0.00001.
gnomAD v4.1: 1 of 1,614,072 alleles (0.000062%); highest among the groups gnomAD compares: African/African-American, 0.0013%; no homozygotes.

Submission:

Labcorp Genetics (formerly Invitae), Labcorp
Classification: Uncertain significance for Leber congenital amaurosis 8; Retinitis pigmentosa 12. Last evaluated: 2023-12-04. Review status: criteria provided, single submitter. Criteria: Invitae Variant Classification Sherloc (09022015). Collection method: clinical testing. Allele origin: germline.
Comment: This sequence change replaces arginine, which is basic and polar, with serine, which is neutral and polar, at codon 856 of the CRB1 protein (p.Arg856Ser). This variant is present in population databases (no rsID available, gnomAD 0.007%). This variant has not been reported in the literature in individuals affected with CRB1-related conditions. ClinVar contains an entry for this variant (Variation ID: 1716252). Advanced modeling of protein sequence and biophysical properties (such as structural, functional, and spatial information, amino acid conservation, physicochemical variation, residue mobility, and thermodynamic stability) has been performed at Invitae for this missense variant, however the output from this modeling did not meet the statistical confidence thresholds required to predict the impact of this variant on CRB1 protein function. In summary, the available evidence is currently insufficient to determine the role of this variant in disease. Therefore, it has been classified as a Variant of Uncertain Significance.

NM_201253.3(CRB1):c.2568A>C (p.Arg856Ser)

Gene: CRB1 (crumbs cell polarity complex component 1; plus strand). Cytogenetic location: 1q31.3.
Variant type: single nucleotide variant.
Coding change: c.2568A>C on transcript NM_201253.3 (MANE Select); coding-DNA position 2568, A replaced by C.
Protein change: p.Arg856Ser; replaces arginine 856 with serine.
Molecular consequence: missense variant. On other transcripts: non-coding transcript variant (2), intron variant (1).
Genome position (GRCh38, 1-based): chr1:197,427,893, A>C. VCF-style: chr1-197427893-A-C. GRCh37 (hg19) VCF-style: chr1-197397023-A-C.
Other names: c.2232A>C, p.Arg744Ser (NM_001193640.2); c.2361A>C, p.Arg787Ser (NM_001257965.2); c.2128+5937A>C (NM_001257966.2); short protein forms R744S, R787S, R856S.
Identifiers: ClinVar variation 1716252 (VCV001716252.5), dbSNP rs1217298785, ClinGen allele CA344038315.
Genomic context (GRCh38, chr1:197,427,893, plus strand): 5'-TGACAAGCAAGAGACTGAACTTAATGGTGGATTCTTCAAAGGCTGTATCCAAGATGTAAG[A>C]CTAAACAACCAAAATCTGGAATTCTTTCCAAATCCAACAAACAATGCATCTCTCAATCCA-3'
Protein context (NP_957705.1, residues 846-866): GFFKGCIQDV[Arg856Ser]LNNQNLEFFP